The following is an entry in ClinVar:

NM_032638.5(GATA2):c.482C>T (p.Pro161Leu)

Gene: GATA2 (GATA binding protein 2; minus strand). Cytogenetic location: 3q21.3.
Variant type: single nucleotide variant.
Coding change: c.482C>T on transcript NM_032638.5 (MANE Select); coding-DNA position 482, C replaced by T.
Protein change: p.Pro161Leu; replaces proline 161 with leucine.
Molecular consequence: missense variant.
Genome position (GRCh38, 1-based): chr3:128,486,116, G>A on the plus strand (C>T on the coding strand, the complement: GATA2 is on the minus strand). VCF-style: chr3-128486116-G-A. GRCh37 (hg19) VCF-style: chr3-128204959-G-A.
Other names: c.482C>T, p.Pro161Leu (NM_001145661.2, NM_001145662.1); short protein forms P161L.
Identifiers: ClinVar variation 3241685 (VCV003241685.2), dbSNP rs1350131138.

ClinVar aggregate classification (germline): Uncertain significance. Review status: criteria provided, multiple submitters, no conflicts (2 of 4 stars). 2 submissions from 2 submitters: Uncertain significance (2). Last evaluated 2025-03-08.

Conditions:
Inborn genetic diseases. Identifiers: MedGen C0950123, MeSH D030342.
Acute myeloid leukemia (AML). Also called: Acute myeloid leukemia, adult; AML adult; Acute non-lymphocytic leukemia; Acute granulocytic leukemia; Leukemia, acute myeloid, somatic; Leukemia, acute myelogenous, somatic. Identifiers: Orphanet 519, MedGen C0023467, MeSH D015470, MONDO:0018874, OMIM 601626, HP:0004808. Disease mechanism: Constitutively activated FLT3.

Allele frequency attached by ClinVar (database versions not stated): gnomAD 0.00001.
gnomAD v4.1: 1 of 1,612,074 alleles (0.000062%); highest among the groups gnomAD compares: African/African-American, 0.0013%; no homozygotes.

Submissions (2):

Ambry Genetics
Classification: Uncertain significance for Inborn genetic diseases. Last evaluated: 2025-03-08. Review status: criteria provided, single submitter. Criteria: Ambry Variant Classification Scheme 2023. Collection method: clinical testing. Allele origin: germline.
Comment: The p.P161L variant (also known as c.482C>T), located in coding exon 2 of the GATA2 gene, results from a C to T substitution at nucleotide position 482. The proline at codon 161 is replaced by leucine, an amino acid with similar properties. This amino acid position is conserved. In addition, the in silico prediction for this alteration is inconclusive. Based on the available evidence, the clinical significance of this variant remains unclear.

Baylor Genetics
Classification: Uncertain significance for Acute myeloid leukemia. Last evaluated: 2023-12-17. Review status: criteria provided, single submitter. Criteria: ACMG Guidelines, 2015. Collection method: clinical testing. Allele origin: unknown.